The following is an entry in ClinVar:

NM_138477.4(CDAN1):c.3194G>A (p.Arg1065Gln)

Gene: CDAN1 (codanin 1; minus strand). Cytogenetic location: 15q15.2.
Variant type: single nucleotide variant.
Coding change: c.3194G>A on transcript NM_138477.4 (MANE Select); coding-DNA position 3194, G replaced by A.
Protein change: p.Arg1065Gln; replaces arginine 1065 with glutamine.
Molecular consequence: missense variant.
Genome position (GRCh38, 1-based): chr15:42,726,320, C>T on the plus strand (G>A on the coding strand, the complement: CDAN1 is on the minus strand). VCF-style: chr15-42726320-C-T. GRCh37 (hg19) VCF-style: chr15-43018518-C-T.
Other names: p.Arg1065Gln; c.3194G>A, p.Arg1065Gln (LRG_1164t1); short protein forms R1065Q.
Identifiers: ClinVar variation 315922 (VCV000315922.50), dbSNP rs61746356, ClinGen allele CA7515252.

ClinVar aggregate classification (germline): Benign/Likely benign. Review status: criteria provided, multiple submitters, no conflicts (2 of 4 stars). 8 submissions from 8 submitters: Benign (2); Likely benign (3). 3 of the submissions do not count toward it. Last evaluated 2026-04-01.

Conditions:
Anemia, congenital dyserythropoietic, type 1a (CDAN1A). Also called: DYSERYTHROPOIETIC ANEMIA, CONGENITAL, TYPE Ia; CDAN1-Related Congenital Dyserythropoietic Anemia. Identifiers: MedGen C5574667, MONDO:0009135, OMIM 224120.
Congenital dyserythropoietic anemia, type I. Also called: Dyserythropoietic anemia, congenital type 1. Identifiers: Orphanet 98869, MedGen C0271933, MONDO:0020337. Disease mechanism: loss of function.
CDAN1-related disorder. Also called: CDAN1-related condition.

Allele frequency attached by ClinVar (database versions not stated): 1000 Genomes Project 30x 0.00187; 1000 Genomes Project 0.00200; TOPMed 0.00776; gnomAD exomes 0.00872; gnomAD 0.00884 and 0.00932; ESP Exome Variant Server 0.01087; ExAC 0.01556.

Submissions (8):

CeGaT Center for Human Genetics Tuebingen
Classification: Benign. Last evaluated: 2026-04-01. Review status: criteria provided, single submitter. Criteria: CeGaT Center For Human Genetics Tuebingen Variant Classification Criteria Version 2. Collection method: clinical testing. Allele origin: germline. Affected: yes. Observed: 12 variant alleles.
Comment: CDAN1: PM5, BP4, BS1, BS2

Labcorp Genetics (formerly Invitae), Labcorp
Classification: Benign. Last evaluated: 2026-02-04. Review status: criteria provided, single submitter. Criteria: Invitae Variant Classification Sherloc (09022015). Collection method: clinical testing. Allele origin: germline.

Mayo Clinic Laboratories, Mayo Clinic
Classification: Likely benign. Last evaluated: 2025-12-01. Review status: criteria provided, single submitter. Criteria: ACMG Guidelines, 2015. Collection method: clinical testing. Allele origin: germline. Observed: 33 variant alleles.
Comment: BS1, BS2

ARUP Laboratories, Molecular Genetics and Genomics, ARUP Laboratories
Classification: Likely benign for Anemia, congenital dyserythropoietic, type 1a. Last evaluated: 2025-07-17. Review status: criteria provided, single submitter. Criteria: ARUP Molecular Germline Variant Investigation Process 2024. Collection method: clinical testing. Allele origin: germline.

Illumina Laboratory Services, Illumina
Classification: Likely benign for Anemia, congenital dyserythropoietic, type 1a. Last evaluated: 2017-04-27. Review status: criteria provided, single submitter. Criteria: ICSL Variant Classification Criteria 13 December 2019. Collection method: clinical testing. Allele origin: germline.
Comment: This variant was observed as part of a predisposition screen in an ostensibly healthy population. A literature search was performed for the gene, cDNA change, and amino acid change (where applicable). No publications were found based on this search. Allele frequency data from public databases allowed determination this variant is unlikely to cause disease. Therefore, this variant is classified as likely benign.

PreventionGenetics, part of Exact Sciences
Classification: Benign for CDAN1-related condition. Last evaluated: 2021-11-11. Review status: no assertion criteria provided. Collection method: clinical testing. Allele origin: germline. Not counted in ClinVar's aggregate classification.
Comment: This variant is classified as benign based on ACMG/AMP sequence variant interpretation guidelines (Richards et al. 2015 PMID: 25741868, with internal and published modifications).

Genome Diagnostics Laboratory, University Medical Center Utrecht
Classification: Benign. Review status: no assertion criteria provided. Collection method: clinical testing. Allele origin: germline. Affected: yes. Study: VKGL Data-share Consensus. Not counted in ClinVar's aggregate classification.

Laboratory of Diagnostic Genome Analysis, Leiden University Medical Center (LUMC)
Classification: Likely benign. Review status: no assertion criteria provided. Collection method: clinical testing. Allele origin: germline. Affected: yes. Study: VKGL Data-share Consensus. Not counted in ClinVar's aggregate classification.